The following is an entry in ClinVar:

ClinVar aggregate classification (germline): Uncertain significance (1 of 4 stars; one submission).

gnomAD v4.1: 2 of 1,613,898 alleles (0.00012%); highest among the groups gnomAD compares: East Asian, 0.0022%; no homozygotes.

Submission:

CeGaT Center for Human Genetics Tuebingen
Classification: Uncertain significance. Last evaluated: 2026-07-01. Review status: criteria provided, single submitter. Criteria: CeGaT Center For Human Genetics Tuebingen Variant Classification Criteria Version 2. Collection method: clinical testing. Allele origin: germline. Affected: yes. Observed: 1 variant allele.
Comment: CRELD1: PM2, BP4

NM_001077415.3(CRELD1):c.17C>T (p.Pro6Leu)

Gene: CRELD1 (CRELD disulfide isomerase 1; plus strand). Cytogenetic location: 3p25.3.
Variant type: single nucleotide variant.
Coding change: c.17C>T on transcript NM_001077415.3 (MANE Select); coding-DNA position 17, C replaced by T.
Protein change: p.Pro6Leu; replaces proline 6 with leucine.
Molecular consequence: missense variant. On other transcripts: non-coding transcript variant (3).
Genome position (GRCh38, 1-based): chr3:9,934,455, C>T. VCF-style: chr3-9934455-C-T. GRCh37 (hg19) VCF-style: chr3-9976139-C-T.
Other names: c.17C>T, p.Pro6Leu (NM_001031717.4, NM_001374316.1, NM_001374317.1 and 5 more transcripts); short protein forms P6L.
Identifiers: ClinVar variation 5039270 (VCV005039270.1).
Genomic context (GRCh38, chr3:9,934,455, plus strand): 5'-GCCTCTCCACGCCCTCTATCTGCAGGTCCCCAGCCTGGGTAAAGATGGCCCCATGGCCCC[C>T]GAAGGGCCTAGTCCCAGCTATGCTCTGGGGCCTCAGCCTCTTCCTCAACCTCCCAGGACC-3'
Protein context (NP_001070883.2, residues 1-16): MAPWP[Pro6Leu]KGLVPAMLWG